The following is an entry in ClinVar:

NM_000498.3(CYP11B2):c.798C>A (p.Tyr266Ter)

Genes: CYP11B2 (cytochrome P450 family 11 subfamily B member 2; minus strand), LOC106799834 (CYP11B2 recombination region; plus strand). Cytogenetic location: 8q24.3.
Variant type: single nucleotide variant.
Coding change: c.798C>A on transcript NM_000498.3 (MANE Select); coding-DNA position 798, C replaced by A.
Protein change: p.Tyr266Ter; replaces tyrosine 266 with a stop codon.
Molecular consequence: nonsense.
Genome position (GRCh38, 1-based): chr8:142,914,706, G>T on the plus strand (C>A on the coding strand, the complement: CYP11B2 is on the minus strand). VCF-style: chr8-142914706-G-T. GRCh37 (hg19) VCF-style: chr8-143996122-G-T.
Other names: short protein forms Y266*.
Identifiers: ClinVar variation 4818610 (VCV004818610.1).

ClinVar aggregate classification (germline): Likely pathogenic (1 of 4 stars; one submission).

Conditions:
Corticosterone methyl oxidase type II deficiency.

Submission:

Natera, Inc.
Classification: Likely pathogenic for Corticosterone methyl oxidase type II deficiency. Last evaluated: 2024-04-01. Review status: criteria provided, single submitter. Criteria: Natera Variant Classification Schema (03/2026). Collection method: clinical testing. Allele origin: germline.
Comment: The c.798C>A variant in CYP11B2 is a nonsense variant predicted to introduce a stop codon at amino acid 266. This variant is expected to result in nonsense mediated decay, truncation, or a dysfunctional protein product. This variant is rare in the general population with a frequency below the threshold expected for the associated phenotype(s). Given the available evidence, this variant is classified as Likely Pathogenic.